The following is an entry in ClinVar:

ClinVar aggregate classification (germline): Likely benign (1 of 4 stars; one submission).

Allele frequency attached by ClinVar (database versions not stated): gnomAD 0.00005; gnomAD exomes 0.00011; TOPMed 0.00023; ExAC 0.00057.
gnomAD v4.1: 165 of 1,613,934 alleles (0.01%); highest among the groups gnomAD compares: Admixed American, 0.27%; 1 homozygote.

Submission:

CeGaT Center for Human Genetics Tuebingen
Classification: Likely benign. Last evaluated: 2023-02-01. Review status: criteria provided, single submitter. Criteria: CeGaT Center For Human Genetics Tuebingen Variant Classification Criteria Version 2. Collection method: clinical testing. Allele origin: germline. Affected: yes. Observed: 1 variant allele.
Comment: CFAP58: BP4, BP7

NM_001008723.2(CFAP58):c.1263C>A (p.Ile421=)

Gene: CFAP58 (cilia and flagella associated protein 58; plus strand). Cytogenetic location: 10q25.1.
Variant type: single nucleotide variant.
Coding change: c.1263C>A on transcript NM_001008723.2 (MANE Select); coding-DNA position 1263, C replaced by A.
Protein change: p.Ile421=; no amino-acid change (isoleucine 421 retained).
Molecular consequence: synonymous variant.
Genome position (GRCh38, 1-based): chr10:104,380,118, C>A. VCF-style: chr10-104380118-C-A. GRCh37 (hg19) VCF-style: chr10-106139876-C-A.
Other names: c.1209C>A, p.Ile403= (NM_001400226.1, NM_001400227.1).
Identifiers: ClinVar variation 2640815 (VCV002640815.24), dbSNP rs754222797, ClinGen allele CA5682788.
Genomic context (GRCh38, chr10:104,380,118, plus strand): 5'-GAAGCAGACAGACTTGGTAAAGCTCCATGAACAAGCCAAGAGGAACCTGGAGGGAGAAAT[C>A]CAGAACTACAAGGATGAGGCTCAGAAGCAGAGAAAGATCATCTTTCATCTGGAAAAGGAG-3'
Protein context (NP_001008723.1, residues 411-431): EQAKRNLEGE[Ile421=]QNYKDEAQKQ